The following is an entry in ClinVar:

NM_001127222.2(CACNA1A):c.1905C>T (p.Phe635=)

Gene: CACNA1A (calcium voltage-gated channel subunit alpha1 A; minus strand). Cytogenetic location: 19p13.13.
Variant type: single nucleotide variant.
Coding change: c.1905C>T on transcript NM_001127222.2 (MANE Select); coding-DNA position 1905, C replaced by T.
Protein change: p.Phe635=; no amino-acid change (phenylalanine 635 retained).
Molecular consequence: synonymous variant.
Genome position (GRCh38, 1-based): chr19:13,308,128, G>A on the plus strand (C>T on the coding strand, the complement: CACNA1A is on the minus strand). VCF-style: chr19-13308128-G-A. GRCh37 (hg19) VCF-style: chr19-13418942-G-A.
Other names: c.1908C>T, p.Phe636= (NM_000068.4, NM_001127221.2, NM_001174080.2 and 1 more transcripts).
Identifiers: ClinVar variation 542837 (VCV000542837.25), dbSNP rs115452236, ClinGen allele CA9240704.
Genomic context (GRCh38, chr19:13,308,128, plus strand): 5'-CCTGAGCCTGACCCCAGGGAACCAGGAGTTGGAATTCCTGTGAAGGACTTACTGGCCGCC[G>A]AAGAGTTGCATTCCCAAAAGGGCGAAGACGACAATGAACAGGAAAAGGAGAAACAACAGG-3'
Protein context (NP_001120694.1, residues 625-645): VVFALLGMQL[Phe635=]GGQFNFDEGT

ClinVar aggregate classification (germline): Benign/Likely benign. Review status: criteria provided, multiple submitters, no conflicts (2 of 4 stars). 6 submissions from 6 submitters: Benign (2); Likely benign (4). Last evaluated 2025-10-13.

Conditions:
Episodic ataxia type 2 (EA2). Also called: EPISODIC ATAXIA, NYSTAGMUS-ASSOCIATED; ACETAZOLAMIDE-RESPONSIVE HEREDITARY PAROXYSMAL CEREBELLAR ATAXIA; ATAXIA, EPISODIC, WITH NYSTAGMUS; ATAXIA, FAMILIAL PAROXYSMAL; CEREBELLAR ATAXIA, PAROXYSMAL, ACETAZOLAMIDE-RESPONSIVE; CEREBELLOPATHY, HEREDITARY PAROXYSMAL. Identifiers: Orphanet 97, MedGen C1720416, MONDO:0007163, OMIM 108500.
Developmental and epileptic encephalopathy, 42 (DEE42A). Also called: Epileptic encephalopathy, early infantile, 42; EPILEPTIC ENCEPHALOPATHY, EARLY INFANTILE, 42A; DEVELOPMENTAL AND EPILEPTIC ENCEPHALOPATHY 42A. Identifiers: MedGen C4310716, MONDO:0014917, OMIM 617106.

Allele frequency attached by ClinVar (database versions not stated): gnomAD exomes 0.00004 and 0.00007; ExAC 0.00007; TOPMed 0.00025; gnomAD 0.00026; ESP Exome Variant Server 0.00048; 1000 Genomes Project 0.00060; 1000 Genomes Project 30x 0.00062.
gnomAD v4.1: 102 of 1,613,972 alleles (0.0063%); highest among the groups gnomAD compares: African/African-American, 0.087%; no homozygotes.

Submissions (6):

Labcorp Genetics (formerly Invitae), Labcorp
Classification: Likely benign for Developmental and epileptic encephalopathy, 42; Episodic ataxia type 2. Last evaluated: 2025-10-13. Review status: criteria provided, single submitter. Criteria: Invitae Variant Classification Sherloc (09022015). Collection method: clinical testing. Allele origin: germline.

CeGaT Center for Human Genetics Tuebingen
Classification: Likely benign. Last evaluated: 2025-06-01. Review status: criteria provided, single submitter. Criteria: CeGaT Center For Human Genetics Tuebingen Variant Classification Criteria Version 2. Collection method: clinical testing. Allele origin: germline. Affected: yes. Observed: 1 variant allele.
Comment: CACNA1A: BP4, BP7

Blueprint Genetics
Classification: Likely benign. Last evaluated: 2024-06-17. Review status: criteria provided, single submitter. Criteria: ACMG Guidelines, 2015. Collection method: clinical testing. Allele origin: germline.

ARUP Laboratories, Molecular Genetics and Genomics, ARUP Laboratories
Classification: Benign. Last evaluated: 2023-09-18. Review status: criteria provided, single submitter. Criteria: ARUP Molecular Germline Variant Investigation Process 2024. Collection method: clinical testing. Allele origin: germline.

GeneDx
Classification: Likely benign. Last evaluated: 2021-01-25. Review status: criteria provided, single submitter. Criteria: GeneDx Variant Classification Process June 2021. Collection method: clinical testing. Allele origin: germline. Affected: yes.

Athena Diagnostics
Classification: Benign. Last evaluated: 2018-04-18. Review status: criteria provided, single submitter. Criteria: Athena Diagnostics Criteria. Collection method: clinical testing. Allele origin: germline.